The following is an entry in ClinVar:

NM_000222.3(KIT):c.2233+6T>G

Gene: KIT (KIT proto-oncogene, receptor tyrosine kinase; plus strand). Cytogenetic location: 4q12.
Variant type: single nucleotide variant.
Coding change: c.2233+6T>G on transcript NM_000222.3 (MANE Select); 6 bases into the intron after coding-DNA position 2233, T replaced by G.
Molecular consequence: intron variant.
Genome position (GRCh38, 1-based): chr4:54,731,425, T>G. VCF-style: chr4-54731425-T-G. GRCh37 (hg19) VCF-style: chr4-55597591-T-G.
Other names: c.2236+6T>G (NM_001385284.1); c.2233+6T>G (NM_001385290.1); c.2224+6T>G (NM_001385288.1); c.2221+6T>G (NM_001385292.1, NM_001093772.2); c.2230+6T>G (NM_001385285.1); c.2218+6T>G (NM_001385286.1).
Identifiers: ClinVar variation 1010667 (VCV001010667.7), dbSNP rs1722591025, ClinGen allele CA1458742548.

ClinVar aggregate classification (germline): Uncertain significance (1 of 4 stars; one submission).

Conditions:
Gastrointestinal stromal tumor. Also called: Gastrointestinal stromal tumor, somatic; Gastrointestinal stroma tumor. Identifiers: Orphanet 44890, MedGen C0238198, MeSH D046152, MONDO:0011719, OMIM 606764, HP:0100723.

Submission:

Labcorp Genetics (formerly Invitae), Labcorp
Classification: Uncertain significance for Gastrointestinal stromal tumor. Last evaluated: 2023-06-09. Review status: criteria provided, single submitter. Criteria: Invitae Variant Classification Sherloc (09022015). Collection method: clinical testing. Allele origin: germline.
Comment: In summary, the available evidence is currently insufficient to determine the role of this variant in disease. Therefore, it has been classified as a Variant of Uncertain Significance. Variants that disrupt the consensus splice site are a relatively common cause of aberrant splicing (PMID: 17576681, 9536098). Algorithms developed to predict the effect of sequence changes on RNA splicing suggest that this variant may create or strengthen a splice site. ClinVar contains an entry for this variant (Variation ID: 1010667). This variant has not been reported in the literature in individuals affected with KIT-related conditions. This variant is not present in population databases (gnomAD no frequency). This sequence change falls in intron 15 of the KIT gene. It does not directly change the encoded amino acid sequence of the KIT protein. It affects a nucleotide within the consensus splice site.

Literature cited by the submitters: PubMed 17576681; PubMed 9536098.